The following is an entry in ClinVar:

ClinVar aggregate classification (germline): Likely pathogenic (1 of 4 stars; one submission).

Conditions:
Cardiovascular phenotype. Identifiers: MedGen CN230736.

Submission:

Ambry Genetics
Classification: Likely pathogenic for Cardiovascular phenotype. Last evaluated: 2020-03-12. Review status: criteria provided, single submitter. Criteria: Ambry Variant Classification Scheme 2023. Collection method: clinical testing. Allele origin: germline.
Comment: The c.37391_37392delTG variant, located in coding exon 136 of the TTN gene, results from a deletion of two nucleotides at nucleotide positions 37391 to 37392, causing a translational frameshift with a predicted alternate stop codon (p.V12464Dfs*2). This exon is located in the A-band region of the N2-B isoform of the titin protein and is constitutively expressed in TTN transcripts (percent spliced in or PSI 100%). This alteration is expected to result in loss of function by premature protein truncation or nonsense-mediated mRNA decay. While truncating variants in TTN are present in 1-3% of the general population, truncating variants in the A-band are the most common cause of dilated cardiomyopathy (DCM) (Herman DS et al. N. Engl. J. Med., 2012 Feb;366:619-28; Roberts AM et al. Sci Transl Med, 2015 Jan;7:270ra6). TTN truncating variants encoded in constitutive exons (PSI >90%) have been found to be significantly associated with DCM regardless of their position in titin (Schafer S et al. Nat. Genet., 2017 01;49:46-53). As such, this alteration is classified as likely pathogenic.

NM_001267550.2(TTN):c.64586_64587del (p.Val21529fs)

Genes: TTN (titin; minus strand), TTN-AS1 (TTN antisense RNA 1; plus strand). Cytogenetic location: 2q31.2.
Variant type: Microsatellite.
Coding change: c.64586_64587del on transcript NM_001267550.2 (MANE Select); coding-DNA positions 64586 to 64587, 2 bases deleted (TG; older notation c.64586_64587delTG).
Protein change: p.Val21529fs; shifts the reading frame from valine 21529.
Molecular consequence: frameshift variant.
Genome position (GRCh38, 1-based): chr2:178,585,157-178,585,158, CA deleted on the plus strand (TG on the coding strand, the reverse complement: TTN is on the minus strand); deleting any 2 consecutive bases within chr2:178,585,157-178,585,160 gives the same sequence; the c. name uses the placement nearest the transcript's 3' end. VCF-style (leftmost placement, unchanged base first): chr2-178585156-TCA-T. GRCh37 (hg19) VCF-style: chr2-179449883-TCA-T.
Other names: c.59663_59664del, p.Val19888fs (NM_001256850.1); c.37391_37392del, p.Val12464fs (NM_003319.4); c.56882_56883del, p.Val18961fs (NM_133378.4); c.37766_37767del, p.Val12589fs (NM_133432.3); c.37967_37968del, p.Val12656fs (NM_133437.4); c.37391_37392delTG (NM_003319.4); short protein forms V12464fs, V12589fs, V21529fs, V18961fs, V19888fs, V12656fs.
Identifiers: ClinVar variation 1734448 (VCV001734448.2), dbSNP rs2469173765, ClinGen allele CA2580614492.